The following is an entry in ClinVar:

ClinVar aggregate classification (germline): Uncertain significance. Review status: criteria provided, multiple submitters, no conflicts (2 of 4 stars). 2 submissions from 2 submitters: Uncertain significance (2). Last evaluated 2022-09-27.

Allele frequency attached by ClinVar (database versions not stated): ExAC 0.00004; gnomAD 0.00005; gnomAD exomes 0.00008; 1000 Genomes Project 30x 0.00016; 1000 Genomes Project 0.00020.
gnomAD v4.1: 34 of 1,613,988 alleles (0.0021%); highest among the groups gnomAD compares: Admixed American, 0.035%; 1 homozygote.

Submissions (2):

Labcorp Genetics (formerly Invitae), Labcorp
Classification: Uncertain significance. Last evaluated: 2022-09-27. Review status: criteria provided, single submitter. Criteria: Invitae Variant Classification Sherloc (09022015). Collection method: clinical testing. Allele origin: germline.
Comment: This sequence change replaces arginine, which is basic and polar, with tryptophan, which is neutral and slightly polar, at codon 94 of the ATOH7 protein (p.Arg94Trp). This variant is present in population databases (rs544409421, gnomAD 0.05%), including at least one homozygous and/or hemizygous individual. This variant has not been reported in the literature in individuals affected with ATOH7-related conditions. ClinVar contains an entry for this variant (Variation ID: 1413414). Algorithms developed to predict the effect of missense changes on protein structure and function are either unavailable or do not agree on the potential impact of this missense change (SIFT: "Deleterious"; PolyPhen-2: "Probably Damaging"; Align-GVGD: "Class C0"). In summary, the available evidence is currently insufficient to determine the role of this variant in disease. Therefore, it has been classified as a Variant of Uncertain Significance.

Blueprint Genetics
Classification: Uncertain significance. Last evaluated: 2022-08-26. Review status: criteria provided, single submitter. Criteria: ACMG Guidelines, 2015. Collection method: clinical testing. Allele origin: germline.

NM_145178.4(ATOH7):c.280C>T (p.Arg94Trp)

Gene: ATOH7 (atonal bHLH transcription factor 7; minus strand). Cytogenetic location: 10q21.3.
Variant type: single nucleotide variant.
Coding change: c.280C>T on transcript NM_145178.4 (MANE Select); coding-DNA position 280, C replaced by T.
Protein change: p.Arg94Trp; replaces arginine 94 with tryptophan.
Molecular consequence: missense variant.
Genome position (GRCh38, 1-based): chr10:68,231,398, G>A on the plus strand (C>T on the coding strand, the complement: ATOH7 is on the minus strand). VCF-style: chr10-68231398-G-A. GRCh37 (hg19) VCF-style: chr10-69991155-G-A.
Other names: short protein forms R94W.
Identifiers: ClinVar variation 1413414 (VCV001413414.4), dbSNP rs544409421, ClinGen allele CA5523347.